The following is an entry in ClinVar:

ClinVar aggregate classification (germline): Uncertain significance (1 of 4 stars; one submission).

Allele frequency attached by ClinVar (database versions not stated): gnomAD exomes below 0.00001; TOPMed below 0.00001; gnomAD 0.00001; ExAC 0.00002.
gnomAD v4.1: 2 of 1,613,958 alleles (0.00012%); highest among the groups gnomAD compares: South Asian, 0.0011%; no homozygotes.

Submission:

GeneDx
Classification: Uncertain significance. Last evaluated: 2022-12-23. Review status: criteria provided, single submitter. Criteria: GeneDx Variant Classification Process June 2021. Collection method: clinical testing. Allele origin: germline. Affected: yes.
Comment: Not observed at significant frequency in large population cohorts (gnomAD); In silico analysis supports that this missense variant does not alter protein structure/function; Has not been previously published as pathogenic or benign to our knowledge

NM_182961.4(SYNE1):c.7061G>A (p.Ser2354Asn)

Gene: SYNE1 (spectrin repeat containing nuclear envelope protein 1; minus strand). Cytogenetic location: 6q25.2.
Variant type: single nucleotide variant.
Coding change: c.7061G>A on transcript NM_182961.4 (MANE Select); coding-DNA position 7061, G replaced by A.
Protein change: p.Ser2354Asn; replaces serine 2354 with asparagine.
Molecular consequence: missense variant.
Genome position (GRCh38, 1-based): chr6:152,399,792, C>T on the plus strand (G>A on the coding strand, the complement: SYNE1 is on the minus strand). VCF-style: chr6-152399792-C-T. GRCh37 (hg19) VCF-style: chr6-152720927-C-T.
Other names: c.7082G>A, p.Ser2361Asn (NM_033071.5); short protein forms S2354N, S2361N.
Identifiers: ClinVar variation 2506682 (VCV002506682.1), dbSNP rs777031476, ClinGen allele CA4057922.